The following is an entry in ClinVar:

ClinVar aggregate classification (germline): Uncertain significance (1 of 4 stars; one submission).

Conditions:
Inborn genetic diseases. Identifiers: MedGen C0950123, MeSH D030342.

Submission:

Ambry Genetics
Classification: Uncertain significance for Inborn genetic diseases. Last evaluated: 2025-09-12. Review status: criteria provided, single submitter. Criteria: Ambry Variant Classification Scheme 2023. Collection method: clinical testing. Allele origin: germline.
Comment: The p.E400K variant (also known as c.1198G>A), located in coding exon 10 of the CEP57 gene, results from a G to A substitution at nucleotide position 1198. The glutamic acid at codon 400 is replaced by lysine, an amino acid with similar properties. This amino acid position is conserved. In addition, the in silico prediction for this alteration is inconclusive. Based on the available evidence, the clinical significance of this variant remains unclear.

NM_014679.5(CEP57):c.1198G>A (p.Glu400Lys)

Gene: CEP57 (centrosomal protein 57; plus strand). Cytogenetic location: 11q21.
Variant type: single nucleotide variant.
Coding change: c.1198G>A on transcript NM_014679.5 (MANE Select); coding-DNA position 1198, G replaced by A.
Protein change: p.Glu400Lys; replaces glutamic acid 400 with lysine.
Molecular consequence: missense variant.
Genome position (GRCh38, 1-based): chr11:95,829,257, G>A. VCF-style: chr11-95829257-G-A. GRCh37 (hg19) VCF-style: chr11-95562421-G-A.
Other names: c.1171G>A, p.Glu391Lys (NM_001243776.2); c.1120G>A, p.Glu374Lys (NM_001243777.2); c.1117G>A, p.Glu373Lys (NM_001363604.2, NM_001440869.1, NM_001440870.1); c.1090G>A, p.Glu364Lys (NM_001440871.1); c.1081G>A, p.Glu361Lys (NM_001440872.1); c.1018G>A, p.Glu340Lys (NM_001440873.1); c.1012G>A, p.Glu338Lys (NM_001440874.1); c.1009G>A, p.Glu337Lys (NM_001440875.1); and 6 more; short protein forms E335K, E337K, E374K, E325K, E338K, E391K, E301K, E334K.
Identifiers: ClinVar variation 4226411 (VCV004226411.1).